The following is an entry in ClinVar:

ClinVar aggregate classification (germline): Uncertain significance. Review status: criteria provided, multiple submitters, no conflicts (2 of 4 stars). 3 submissions from 3 submitters: Uncertain significance (3). Last evaluated 2025-02-21.

Conditions:
NPHP3-related disorder. Also called: NPHP3-related disorders; NPHP3-related condition. Identifiers: MedGen CN379163.
Nephronophthisis 3 (NPHP3). Also called: Adolescent nephronophthisis. Identifiers: Orphanet 655, MedGen C1858392, MONDO:0011456, OMIM 604387.
NPHP3-related Meckel-like syndrome. Also called: Meckel syndrome type 7; GOLDSTON SYNDROME. Identifiers: Orphanet 3032, MedGen C2673885, MONDO:0009966, OMIM 267010.
Renal-hepatic-pancreatic dysplasia 1 (RHPD1). Identifiers: MedGen C3715199, MONDO:0008833, OMIM 208540.

Allele frequency attached by ClinVar (database versions not stated): gnomAD exomes below 0.00001 and 0.00001; ExAC 0.00001; TOPMed 0.00001.
gnomAD v4.1: 1 of 1,614,204 alleles (0.000062%); highest among the groups gnomAD compares: African/African-American, 0.0013%; no homozygotes.

Submissions (3):

PreventionGenetics, part of Exact Sciences
Classification: Uncertain significance for NPHP3-related condition. Last evaluated: 2025-02-21. Review status: criteria provided, single submitter. Criteria: ACMG Guidelines, 2015. Collection method: clinical testing. Allele origin: germline.
Comment: The NPHP3 c.1149T>G variant is predicted to result in the amino acid substitution p.Phe383Leu. To our knowledge, this variant has not been reported in the literature. This variant is reported in 0.012% of alleles in individuals of African descent in gnomAD. At this time, the clinical significance of this variant is uncertain due to the absence of conclusive functional and genetic evidence.

Fulgent Genetics
Classification: Uncertain significance for Renal-hepatic-pancreatic dysplasia 1; NPHP3-related Meckel-like syndrome; Nephronophthisis 3. Last evaluated: 2021-11-11. Review status: criteria provided, single submitter. Criteria: ACMG Guidelines, 2015. Collection method: clinical testing. Allele origin: unknown.

Eurofins Ntd Llc (ga)
Classification: Uncertain significance. Last evaluated: 2017-12-29. Review status: criteria provided, single submitter. Criteria: EGL Classification Definitions 2015. Collection method: clinical testing. Allele origin: germline. Observed: 1 variant allele, 1 heterozygote.

NM_153240.5(NPHP3):c.1149T>G (p.Phe383Leu)

Genes: NPHP3 (nephrocystin 3; minus strand), NPHP3-ACAD11 (NPHP3-ACAD11 readthrough (NMD candidate); minus strand). Cytogenetic location: 3q22.1.
Variant type: single nucleotide variant.
Coding change: c.1149T>G on transcript NM_153240.5 (MANE Select); coding-DNA position 1149, T replaced by G.
Protein change: p.Phe383Leu; replaces phenylalanine 383 with leucine.
Molecular consequence: missense variant. On other transcripts: non-coding transcript variant (1).
Genome position (GRCh38, 1-based): chr3:132,708,227, A>C on the plus strand (T>G on the coding strand, the complement: NPHP3 is on the minus strand). VCF-style: chr3-132708227-A-C. GRCh37 (hg19) VCF-style: chr3-132427071-A-C.
Other names: c.1149T>G (NM_153240.4); short protein forms F383L.
Identifiers: ClinVar variation 595517 (VCV000595517.7), dbSNP rs747256150, ClinGen allele CA2622382.